The following is an entry in ClinVar:

ClinVar aggregate classification (germline): Benign/Likely benign. Review status: criteria provided, multiple submitters, no conflicts (2 of 4 stars). 2 submissions from 2 submitters: Benign (1); Likely benign (1). Last evaluated 2026-09-01.

Allele frequency attached by ClinVar (database versions not stated): gnomAD exomes 0.00025 and 0.00068; ExAC 0.00079; 1000 Genomes Project 0.00180; 1000 Genomes Project 30x 0.00187; ESP Exome Variant Server 0.00238; gnomAD 0.00257 and 0.00284; TOPMed 0.00318.
gnomAD v4.1: 782 of 1,614,032 alleles (0.048%); highest among the groups gnomAD compares: African/African-American, 0.83%; 3 homozygotes.

Submissions (3):

CeGaT Center for Human Genetics Tuebingen
Classification: Likely benign. Last evaluated: 2026-09-01. Review status: criteria provided, single submitter. Criteria: CeGaT Center For Human Genetics Tuebingen Variant Classification Criteria Version 2. Collection method: clinical testing. Allele origin: germline. Affected: yes. Observed: 2 variant alleles.
Comment: SOX5: BP4, BP7

Labcorp Genetics (formerly Invitae), Labcorp
Classification: Benign. Last evaluated: 2019-12-31. Review status: criteria provided, single submitter. Criteria: Invitae Variant Classification Sherloc (09022015). Collection method: clinical testing. Allele origin: germline.

Dr. Peter K. Rogan Lab, Western University
No classification provided (evidence only). Condition: Malignant tumor of urinary bladder. Review status: no classification provided. Collection method: in vitro. Allele origin: not applicable. Functional consequence: retained intron. Not counted in ClinVar's aggregate classification.

NM_006940.6(SOX5):c.2079G>A (p.Ser693=)

Gene: SOX5 (SRY-box transcription factor 5; minus strand). Cytogenetic location: 12p12.1.
Variant type: single nucleotide variant.
Coding change: c.2079G>A on transcript NM_006940.6 (MANE Select); coding-DNA position 2079, G replaced by A.
Protein change: p.Ser693=; no amino-acid change (serine 693 retained).
Molecular consequence: synonymous variant.
Genome position (GRCh38, 1-based): chr12:23,534,432, C>T on the plus strand (G>A on the coding strand, the complement: SOX5 is on the minus strand). VCF-style: chr12-23534432-C-T. GRCh37 (hg19) VCF-style: chr12-23687366-C-T.
Other names: NC_000012.11:g.23687366C>T; c.1716G>A, p.Ser572= (NM_001261414.3); c.2049G>A, p.Ser683= (NM_001261415.3); c.1974G>A, p.Ser658= (NM_001330785.2); c.2040G>A, p.Ser680= (NM_152989.5); c.921G>A, p.Ser307= (NM_178010.4).
Identifiers: ClinVar variation 720607 (VCV000720607.9), dbSNP rs138876515, ClinGen allele CA6483916.